The following is an entry in ClinVar:

NM_004928.3(CFAP410):c.269G>A (p.Arg90Gln)

Gene: CFAP410 (cilia and flagella associated protein 410; minus strand). Cytogenetic location: 21q22.3.
Variant type: single nucleotide variant.
Coding change: c.269G>A on transcript NM_004928.3 (MANE Select); coding-DNA position 269, G replaced by A.
Protein change: p.Arg90Gln; replaces arginine 90 with glutamine.
Molecular consequence: missense variant.
Genome position (GRCh38, 1-based): chr21:44,333,137, C>T on the plus strand (G>A on the coding strand, the complement: CFAP410 is on the minus strand). VCF-style: chr21-44333137-C-T. GRCh37 (hg19) VCF-style: chr21-45753020-C-T.
Other names: c.269G>A, p.Arg90Gln (NM_001271440.2, NM_001271441.2); c.146G>A, p.Arg49Gln (NM_001271442.1); c.269G>A (NM_004928.2); short protein forms R49Q, R90Q.
Identifiers: ClinVar variation 1002243 (VCV001002243.11), dbSNP rs567435284, ClinGen allele CA10053745.

ClinVar aggregate classification (germline): Uncertain significance. Review status: criteria provided, multiple submitters, no conflicts (2 of 4 stars). 3 submissions from 3 submitters: Uncertain significance (2). 1 of the submissions does not count toward it. Last evaluated 2025-08-21.

Conditions:
CFAP410-related disorder. Also called: CFAP410-related condition.

Allele frequency attached by ClinVar (database versions not stated): TOPMed 0.00001; gnomAD 0.00003; 1000 Genomes Project 30x 0.00016; 1000 Genomes Project 0.00020.
gnomAD v4.1: 57 of 1,612,164 alleles (0.0035%); highest among the groups gnomAD compares: South Asian, 0.016%; no homozygotes.

Submissions (3):

Labcorp Genetics (formerly Invitae), Labcorp
Classification: Uncertain significance. Last evaluated: 2025-08-21. Review status: criteria provided, single submitter. Criteria: Invitae Variant Classification Sherloc (09022015). Collection method: clinical testing. Allele origin: germline.
Comment: This sequence change replaces arginine, which is basic and polar, with glutamine, which is neutral and polar, at codon 90 of the CFAP410 protein (p.Arg90Gln). This variant is present in population databases (rs567435284, gnomAD 0.02%). This variant has not been reported in the literature in individuals affected with CFAP410-related conditions. ClinVar contains an entry for this variant (Variation ID: 1002243). Invitae Evidence Modeling of protein sequence and biophysical properties (such as structural, functional, and spatial information, amino acid conservation, physicochemical variation, residue mobility, and thermodynamic stability) indicates that this missense variant is not expected to disrupt CFAP410 protein function with a negative predictive value of 80%. In summary, the available evidence is currently insufficient to determine the role of this variant in disease. Therefore, it has been classified as a Variant of Uncertain Significance.

Blueprint Genetics
Classification: Uncertain significance. Last evaluated: 2023-10-19. Review status: criteria provided, single submitter. Criteria: ACMG Guidelines, 2015. Collection method: clinical testing. Allele origin: germline.

PreventionGenetics, part of Exact Sciences
Classification: Uncertain significance for CFAP410-related condition. Last evaluated: 2024-08-02. Review status: no assertion criteria provided. Collection method: clinical testing. Allele origin: germline. Not counted in ClinVar's aggregate classification.
Comment: The CFAP410 c.269G>A variant is predicted to result in the amino acid substitution p.Arg90Gln. To our knowledge, this variant has not been reported in the literature. This variant is reported in 0.023% of alleles in individuals of South Asian descent in gnomAD. At this time, the clinical significance of this variant is uncertain due to the absence of conclusive functional and genetic evidence.